The following is an entry in ClinVar:

ClinVar aggregate classification (germline): Pathogenic. Review status: reviewed by expert panel (3 of 4 stars). 6 submissions from 6 submitters: Pathogenic (1). 5 of the submissions do not count toward it. Last evaluated 2016-09-08.

Conditions:
Hereditary cancer-predisposing syndrome. Also called: Tumor predisposition; Neoplastic Syndromes, Hereditary; Hereditary neoplastic syndrome; Hereditary Cancer Syndrome. Identifiers: Orphanet 140162, MedGen C0027672, MeSH D009386, MONDO:0015356.
Hereditary breast ovarian cancer syndrome. Also called: Hereditary breast and ovarian cancer; Hereditary breast and ovarian cancer syndrome (HBOC); Hereditary breast and/or ovarian cancer syndrome; Breast and ovarian cancer; Hereditary breast and ovarian cancer syndrome; BRCA1- and BRCA2-Associated Hereditary Breast and Ovarian Cancer. Identifiers: Orphanet 145, MedGen C0677776, MeSH D061325, MONDO:0003582. Disease mechanism: loss of function.
Breast-ovarian cancer, familial, susceptibility to, 2 (BROVCA2). Also called: BRCA2 Hereditary Breast and Ovarian Cancer. Identifiers: Orphanet 145, MedGen C2675520, MONDO:0012933, OMIM 612555. Disease mechanism: loss of function.

Submissions (6):

Evidence-based Network for the Interpretation of Germline Mutant Alleles (ENIGMA)
Classification: Pathogenic for Breast-ovarian cancer, familial, susceptibility to, 2. Last evaluated: 2016-09-08. Review status: reviewed by expert panel. Criteria: ENIGMA BRCA1/2 Classification Criteria (2015). Collection method: curation. Allele origin: germline.
Comment: Variant allele predicted to encode a truncated non-functional protein.

Ambry Genetics
Classification: Pathogenic for Hereditary cancer-predisposing syndrome. Last evaluated: 2022-07-08. Review status: criteria provided, single submitter. Criteria: Ambry Variant Classification Scheme 2023. Collection method: clinical testing. Allele origin: germline. Not counted in ClinVar's aggregate classification.
Comment: The c.9274delT pathogenic mutation, located in coding exon 24 of the BRCA2 gene, results from a deletion of one nucleotide at nucleotide position 9274, causing a translational frameshift with a predicted alternate stop codon (p.Y3092Ifs*12). This alteration was reported in a cohort of breast and ovarian cancer patients from Spain (Ruiz A et al. Biomed Res Int. 2014 Jun;2014:542541). In addition to the clinical data presented in the literature, this alteration is expected to result in loss of function by premature protein truncation or nonsense-mediated mRNA decay. As such, this alteration is interpreted as a disease-causing mutation.

Labcorp Genetics (formerly Invitae), Labcorp
Classification: Pathogenic for Hereditary breast ovarian cancer syndrome. Last evaluated: 2021-12-06. Review status: criteria provided, single submitter. Criteria: Invitae Variant Classification Sherloc (09022015). Collection method: clinical testing. Allele origin: germline. Not counted in ClinVar's aggregate classification.
Comment: For these reasons, this variant has been classified as Pathogenic. ClinVar contains an entry for this variant (Variation ID: 38226). This premature translational stop signal has been observed in individual(s) with breast and/or ovarian cancer (PMID: 25136594, 32341426). This variant is not present in population databases (gnomAD no frequency). This sequence change creates a premature translational stop signal (p.Tyr3092Ilefs*12) in the BRCA2 gene. It is expected to result in an absent or disrupted protein product. Loss-of-function variants in BRCA2 are known to be pathogenic (PMID: 20104584).

Genologica Medica
Classification: Pathogenic for Breast-ovarian cancer, familial, susceptibility to, 2. Last evaluated: 2017-01-01. Review status: criteria provided, single submitter. Criteria: ACMG Guidelines, 2015. Collection method: clinical testing. Allele origin: germline. Affected: yes. Not counted in ClinVar's aggregate classification.

Molecular Oncology, Hospital Universitario Central de Asturias (HUCA)
Classification: Pathogenic for Breast-ovarian cancer, familial, susceptibility to, 2. Last evaluated: 2021-05-24. Review status: no assertion criteria provided. Collection method: case-control. Allele origin: germline. Affected: yes. Not counted in ClinVar's aggregate classification.

Sharing Clinical Reports Project (SCRP)
Classification: Pathogenic for Breast-ovarian cancer, familial 2. Last evaluated: 2008-08-18. Review status: no assertion criteria provided. Collection method: clinical testing. Allele origin: germline. Not counted in ClinVar's aggregate classification.

Literature cited by the submitters: PubMed 25136594 (cited by Ambry Genetics and Labcorp Genetics (formerly Invitae), Labcorp); PubMed 32341426 (cited by Labcorp Genetics (formerly Invitae), Labcorp); PubMed 20104584 (cited by Labcorp Genetics (formerly Invitae), Labcorp); PubMed 38922859 (cited by Molecular Oncology, Hospital Universitario Central de Asturias (HUCA)).

NM_000059.4(BRCA2):c.9274del (p.Tyr3092fs)

Gene: BRCA2 (BRCA2 DNA repair associated; plus strand). Cytogenetic location: 13q13.1.
Variant type: Deletion.
Coding change: c.9274del on transcript NM_000059.4 (MANE Select); coding-DNA position 9274, one base deleted (T; older notation c.9274delT).
Protein change: p.Tyr3092fs; shifts the reading frame from tyrosine 3092.
Molecular consequence: frameshift variant.
Genome position (GRCh38, 1-based): chr13:32,394,706, T deleted. VCF-style (leftmost placement, unchanged base first): chr13-32394705-CT-C. GRCh37 (hg19) VCF-style: chr13-32968842-CT-C.
Other names: 9502delT; c.9274delT (NM_000059.3); c.9274del (NM_000059.3); short protein forms Y3092fs.
Identifiers: ClinVar variation 38226 (VCV000038226.15), dbSNP rs397507424, ClinGen allele CA026077.